The following is an entry in ClinVar:

NM_024809.5(TCTN2):c.914T>C (p.Met305Thr)

Gene: TCTN2 (tectonic family member 2; plus strand). Cytogenetic location: 12q24.31.
Variant type: single nucleotide variant.
Coding change: c.914T>C on transcript NM_024809.5 (MANE Select); coding-DNA position 914, T replaced by C.
Protein change: p.Met305Thr; replaces methionine 305 with threonine.
Molecular consequence: missense variant.
Genome position (GRCh38, 1-based): chr12:123,690,555, T>C. VCF-style: chr12-123690555-T-C. GRCh37 (hg19) VCF-style: chr12-124175102-T-C.
Other names: c.911T>C, p.Met304Thr (NM_001143850.3); short protein forms M304T, M305T.
Identifiers: ClinVar variation 1418794 (VCV001418794.6), dbSNP rs1166016156, ClinGen allele CA387139919.

ClinVar aggregate classification (germline): Uncertain significance (1 of 4 stars; one submission).

Conditions:
Joubert syndrome. Also called: CEREBELLOPARENCHYMAL DISORDER IV; JOUBERT-BOLTSHAUSER SYNDROME; Familial aplasia of the vermis. Identifiers: Orphanet 475, MedGen C5979921, MONDO:0018772.
Meckel-Gruber syndrome. Also called: DYSENCEPHALIA SPLANCHNOCYSTICA; GRUBER SYNDROME; Dysencephalia splachnocystica. Identifiers: Orphanet 564, MedGen C0265215, MONDO:0018921.

Allele frequency attached by ClinVar (database versions not stated): gnomAD 0.00001; gnomAD exomes 0.00001.

Submission:

Labcorp Genetics (formerly Invitae), Labcorp
Classification: Uncertain significance for Joubert syndrome; Meckel-Gruber syndrome. Last evaluated: 2022-08-23. Review status: criteria provided, single submitter. Criteria: Invitae Variant Classification Sherloc (09022015). Collection method: clinical testing. Allele origin: germline.
Comment: This sequence change replaces methionine, which is neutral and non-polar, with threonine, which is neutral and polar, at codon 305 of the TCTN2 protein (p.Met305Thr). This variant is present in population databases (no rsID available, gnomAD 0.006%). This variant has not been reported in the literature in individuals affected with TCTN2-related conditions. ClinVar contains an entry for this variant (Variation ID: 1418794). Algorithms developed to predict the effect of missense changes on protein structure and function output the following: SIFT: "Tolerated"; PolyPhen-2: "Benign"; Align-GVGD: "Class C0". The threonine amino acid residue is found in multiple mammalian species, which suggests that this missense change does not adversely affect protein function. In summary, the available evidence is currently insufficient to determine the role of this variant in disease. Therefore, it has been classified as a Variant of Uncertain Significance.